The following is an entry in ClinVar:

ClinVar aggregate classification (germline): Likely benign. Review status: criteria provided, multiple submitters, no conflicts (2 of 4 stars). 2 submissions from 2 submitters: Likely benign (2). Last evaluated 2025-10-19.

Allele frequency attached by ClinVar (database versions not stated): TOPMed 0.00009; gnomAD 0.00014; 1000 Genomes Project 30x 0.00047; 1000 Genomes Project 0.00060.
gnomAD v4.1: 247 of 1,611,254 alleles (0.015%); highest among the groups gnomAD compares: East Asian, 0.38%; 3 homozygotes.

Submissions (2):

Labcorp Genetics (formerly Invitae), Labcorp
Classification: Likely benign. Last evaluated: 2025-10-19. Review status: criteria provided, single submitter. Criteria: Invitae Variant Classification Sherloc (09022015). Collection method: clinical testing. Allele origin: germline.

CeGaT Center for Human Genetics Tuebingen
Classification: Likely benign. Last evaluated: 2022-12-01. Review status: criteria provided, single submitter. Criteria: CeGaT Center For Human Genetics Tuebingen Variant Classification Criteria Version 2. Collection method: clinical testing. Allele origin: germline. Affected: yes. Observed: 1 variant allele.
Comment: LAMA5: BP4, BP7

NM_005560.6(LAMA5):c.10860G>A (p.Glu3620=)

Gene: LAMA5 (laminin subunit alpha 5; minus strand). Cytogenetic location: 20q13.33.
Variant type: single nucleotide variant.
Coding change: c.10860G>A on transcript NM_005560.6 (MANE Select); coding-DNA position 10860, G replaced by A.
Protein change: p.Glu3620=; no amino-acid change (glutamic acid 3620 retained).
Molecular consequence: synonymous variant.
Genome position (GRCh38, 1-based): chr20:62,309,804, C>T on the plus strand (G>A on the coding strand, the complement: LAMA5 is on the minus strand). VCF-style: chr20-62309804-C-T. GRCh37 (hg19) VCF-style: chr20-60884860-C-T.
Identifiers: ClinVar variation 2652472 (VCV002652472.27), dbSNP rs201591111, ClinGen allele CA9939566.